The following is an entry in ClinVar:

ClinVar aggregate classification (germline): Uncertain significance (1 of 4 stars; one submission).

Conditions:
Baller-Gerold syndrome (BGS). Also called: CRANIOSYNOSTOSIS WITH RADIAL DEFECTS. Identifiers: Orphanet 1225, MedGen C0265308, MONDO:0009039, OMIM 218600.

Submission:

Labcorp Genetics (formerly Invitae), Labcorp
Classification: Uncertain significance for Baller-Gerold syndrome. Last evaluated: 2023-03-13. Review status: criteria provided, single submitter. Criteria: Invitae Variant Classification Sherloc (09022015). Collection method: clinical testing. Allele origin: germline.
Comment: Experimental studies and prediction algorithms are not available or were not evaluated, and the functional significance of this variant is currently unknown. Variants that disrupt the consensus splice site are a relatively common cause of aberrant splicing (PMID: 17576681, 9536098). Algorithms developed to predict the effect of sequence changes on RNA splicing suggest that this variant may disrupt the consensus splice site. This variant disrupts the p.Ser1079 amino acid residue in RECQL4. Other variant(s) that disrupt this residue have been determined to be pathogenic (PMID: 29642415; Invitae). This suggests that this residue is clinically significant, and that variants that disrupt this residue are likely to be disease-causing. In summary, the available evidence is currently insufficient to determine the role of this variant in disease. Therefore, it has been classified as a Variant of Uncertain Significance. This sequence change replaces serine, which is neutral and polar, with asparagine, which is neutral and polar, at codon 1079 of the RECQL4 protein (p.Ser1079Asn). This variant also falls at the last nucleotide of exon 18, which is part of the consensus splice site for this exon. This variant is not present in population databases (gnomAD no frequency). This variant has not been reported in the literature in individuals affected with RECQL4-related conditions.

Literature cited by the submitters: PubMed 17576681; PubMed 9536098; PubMed 29642415.

NM_004260.4(RECQL4):c.3236G>A (p.Ser1079Asn)

Gene: RECQL4 (RecQ like helicase 4; minus strand). Cytogenetic location: 8q24.3.
Variant type: single nucleotide variant.
Coding change: c.3236G>A on transcript NM_004260.4 (MANE Select); coding-DNA position 3236, G replaced by A.
Protein change: p.Ser1079Asn; replaces serine 1079 with asparagine.
Molecular consequence: missense variant. On other transcripts: non-coding transcript variant (3).
Genome position (GRCh38, 1-based): chr8:144,512,144, C>T on the plus strand (G>A on the coding strand, the complement: RECQL4 is on the minus strand). VCF-style: chr8-144512144-C-T. GRCh37 (hg19) VCF-style: chr8-145737527-C-T.
Other names: c.2942G>A, p.Ser981Asn (NM_001413017.1); c.3038G>A, p.Ser1013Asn (NM_001413018.1); c.3311G>A, p.Ser1104Asn (NM_001413019.1); c.3140G>A, p.Ser1047Asn (NM_001413020.1); c.2165G>A, p.Ser722Asn (NM_001413021.1, NM_001413022.1, NM_001413024.1 and 4 more transcripts); c.2240G>A, p.Ser747Asn (NM_001413023.1); c.3107G>A, p.Ser1036Asn (NM_001413025.1); c.2099G>A, p.Ser700Asn (NM_001413027.1, NM_001413030.1, NM_001413032.1); and 9 more; short protein forms S1047N, S1104N, S1036N, S1079N, S722N, S725N, S981N, S1013N.
Identifiers: ClinVar variation 2845342 (VCV002845342.3), dbSNP rs2130657545, ClinGen allele CA372669586.
Genomic context (GRCh38, chr8:144,512,144, plus strand): 5'-GTCAGAGCTGATCACTGCGGGAGGGTGGATGGTCCCAGGCCCCGCCCGCCTCCTCCCAAC[C>T]TGTGAAAGGCCTGGAAGGTTCTGCGCAGACGGGCCAGGGCCTGGCGCTCCCGGGCCTGCA-3'
Protein context (NP_004251.4, residues 1069-1089): RLRRTFQAFH[Ser1079Asn]VAFPSCGPCL